The following is an entry in ClinVar:

NM_003890.3(FCGBP):c.6198C>T (p.Pro2066=)

Gene: FCGBP (Fc gamma binding protein; minus strand). Cytogenetic location: 19q13.2.
Variant type: single nucleotide variant.
Coding change: c.6198C>T on transcript NM_003890.3 (MANE Select); coding-DNA position 6198, C replaced by T.
Protein change: p.Pro2066=; no amino-acid change (proline 2066 retained).
Molecular consequence: synonymous variant.
Identifiers: ClinVar variation 2649858 (VCV002649858.19), dbSNP rs1599911470, ClinGen allele CA9436928.

ClinVar aggregate classification (germline): Likely benign (1 of 4 stars; one submission).

Submission:

CeGaT Center for Human Genetics Tuebingen
Classification: Likely benign. Last evaluated: 2022-07-01. Review status: criteria provided, single submitter. Criteria: CeGaT Center For Human Genetics Tuebingen Variant Classification Criteria Version 2. Collection method: clinical testing. Allele origin: germline. Affected: yes. Observed: 1 variant allele.
Comment: FCGBP: BP4, BP7